The following is an entry in ClinVar:

ClinVar aggregate classification (germline): Uncertain significance (1 of 4 stars; one submission).

Conditions:
Hereditary cancer-predisposing syndrome. Also called: Tumor predisposition; Hereditary neoplastic syndrome; Neoplastic Syndromes, Hereditary; Hereditary Cancer Syndrome. Identifiers: Orphanet 140162, MedGen C0027672, MeSH D009386, MONDO:0015356.

Submission:

Ambry Genetics
Classification: Uncertain significance for Hereditary cancer-predisposing syndrome. Last evaluated: 2024-08-30. Review status: criteria provided, single submitter. Criteria: Ambry Variant Classification Scheme 2023. Collection method: clinical testing. Allele origin: germline.
Comment: The c.1374_1377delCATGinsTCCT variant (also known as p.M459P), located in coding exon 10 of the POLD1 gene, results from an in-frame deletion of CATG and insertion of TCCT at nucleotide positions 1374 to 1377. This results in the substitution of the methionine residue for a proline residue at codon 459, an amino acid with similar properties. This amino acid position is not well conserved in available vertebrate species. In addition, the in silico prediction for this alteration is inconclusive (Choi Y et al. PLoS ONE. 2012; 7(10):e46688). Based on the available evidence, the clinical significance of this variant remains unclear.

NM_002691.4(POLD1):c.1374_1377delinsTCCT (p.Met459Pro)

Gene: POLD1 (DNA polymerase delta 1, catalytic subunit; plus strand). Cytogenetic location: 19q13.33.
Variant type: Indel.
Coding change: c.1374_1377delinsTCCT on transcript NM_002691.4 (MANE Select); coding-DNA positions 1374 to 1377, CATG replaced by TCCT.
Protein change: p.Met459Pro; replaces methionine 459 with proline.
Molecular consequence: missense variant. On other transcripts: non-coding transcript variant (1).
Genome position (GRCh38, 1-based): chr19:50,406,313-50,406,316, CATG replaced by TCCT. VCF-style: chr19-50406313-CATG-TCCT. GRCh37 (hg19) VCF-style: chr19-50909570-CATG-TCCT.
Other names: c.1374_1377delinsTCCT, p.Met459Pro (NM_001256849.1, NM_001308632.1); short protein forms M459P.
Identifiers: ClinVar variation 819039 (VCV000819039.5), dbSNP rs1601216017, ClinGen allele CA915951933.